The following is an entry in ClinVar:

ClinVar aggregate classification (germline): Likely benign. Review status: criteria provided, multiple submitters, no conflicts (2 of 4 stars). 3 submissions from 3 submitters: Likely benign (3). Last evaluated 2025-07-24.

Allele frequency attached by ClinVar (database versions not stated): ESP Exome Variant Server 0.00069; 1000 Genomes Project 30x 0.00078; 1000 Genomes Project 0.00100; ExAC 0.00108; gnomAD 0.00117; TOPMed 0.00175.
gnomAD v4.1: 1,969 of 1,575,158 alleles (0.13%); highest among the groups gnomAD compares: Admixed American, 0.3%; 4 homozygotes.

Submissions (3):

Labcorp Genetics (formerly Invitae), Labcorp
Classification: Likely benign. Last evaluated: 2025-07-24. Review status: criteria provided, single submitter. Criteria: Invitae Variant Classification Sherloc (09022015). Collection method: clinical testing. Allele origin: germline.

Blueprint Genetics
Classification: Likely benign. Last evaluated: 2024-11-21. Review status: criteria provided, single submitter. Criteria: ACMG Guidelines, 2015. Collection method: clinical testing. Allele origin: germline.

CeGaT Center for Human Genetics Tuebingen
Classification: Likely benign. Last evaluated: 2024-10-01. Review status: criteria provided, single submitter. Criteria: CeGaT Center For Human Genetics Tuebingen Variant Classification Criteria Version 2. Collection method: clinical testing. Allele origin: germline. Affected: yes. Observed: 1 variant allele.
Comment: FAT2: BP4, BP7

NM_001447.3(FAT2):c.12612G>A (p.Pro4204=)

Genes: FAT2 (FAT atypical cadherin 2; minus strand), SLC36A1 (solute carrier family 36 member 1; plus strand). Cytogenetic location: 5q33.1.
Variant type: single nucleotide variant.
Coding change: c.12612G>A on transcript NM_001447.3 (MANE Select); coding-DNA position 12612, G replaced by A.
Protein change: p.Pro4204=; no amino-acid change (proline 4204 retained).
Molecular consequence: synonymous variant.
Genome position (GRCh38, 1-based): chr5:151,506,003, C>T on the plus strand (G>A on the coding strand, the complement: FAT2 is on the minus strand). VCF-style: chr5-151506003-C-T. GRCh37 (hg19) VCF-style: chr5-150885564-C-T.
Identifiers: ClinVar variation 2055519 (VCV002055519.19), dbSNP rs142209223, ClinGen allele CA3519722.